The following is an entry in ClinVar:

ClinVar aggregate classification (germline): Uncertain significance (1 of 4 stars; one submission).

Submission:

Ambry Genetics
Classification: Uncertain significance. Last evaluated: 2022-09-17. Review status: criteria provided, single submitter. Criteria: Ambry Variant Classification Scheme 2023. Collection method: clinical testing. Allele origin: germline.
Comment: The p.G667S variant (also known as c.1999G>A), located in coding exon 1 of the MLH3 gene, results from a G to A substitution at nucleotide position 1999. The glycine at codon 667 is replaced by serine, an amino acid with similar properties. This amino acid position is conserved. In addition, this alteration is predicted to be tolerated by in silico analysis. Since supporting evidence is limited at this time, the clinical significance of this alteration remains unclear.

NM_001040108.2(MLH3):c.1999G>A (p.Gly667Ser)

Gene: MLH3 (mutL homolog 3; minus strand). Cytogenetic location: 14q24.3.
Variant type: single nucleotide variant.
Coding change: c.1999G>A on transcript NM_001040108.2 (MANE Select); coding-DNA position 1999, G replaced by A.
Protein change: p.Gly667Ser; replaces glycine 667 with serine.
Molecular consequence: missense variant.
Genome position (GRCh38, 1-based): chr14:75,047,657, C>T on the plus strand (G>A on the coding strand, the complement: MLH3 is on the minus strand). VCF-style: chr14-75047657-C-T. GRCh37 (hg19) VCF-style: chr14-75514360-C-T.
Other names: c.1999G>A, p.Gly667Ser (NM_014381.3); short protein forms G667S.
Identifiers: ClinVar variation 1784112 (VCV001784112.2), dbSNP rs2503281006, ClinGen allele CA390443447.
Genomic context (GRCh38, chr14:75,047,657, plus strand): 5'-GTTCATTCTCTAGCCCATAACTTATATTCGTTCTGCAATTTTTTTTGTTGGGCAATTGAC[C>T]AGATTCTTTACTTAAAGTGCTGGCTAAATCTTTGATGTCTGGAGTTTCAACTGAATGACG-3'
Protein context (NP_001035197.1, residues 657-677): DLASTLSKES[Gly667Ser]QLPNKKNCRT